The following is an entry in ClinVar:

NM_000138.5(FBN1):c.2729A>T (p.Asp910Val)

Gene: FBN1 (fibrillin 1; minus strand). Cytogenetic location: 15q21.1.
Variant type: single nucleotide variant.
Coding change: c.2729A>T on transcript NM_000138.5 (MANE Select); coding-DNA position 2729, A replaced by T.
Protein change: p.Asp910Val; replaces aspartic acid 910 with valine.
Molecular consequence: missense variant.
Genome position (GRCh38, 1-based): chr15:48,492,586, T>A on the plus strand (A>T on the coding strand, the complement: FBN1 is on the minus strand). VCF-style: chr15-48492586-T-A. GRCh37 (hg19) VCF-style: chr15-48784783-T-A.
Other names: short protein forms D910V.
Identifiers: ClinVar variation 1698862 (VCV001698862.8), dbSNP rs1284769637, ClinGen allele CA392330913.

ClinVar aggregate classification (germline): Conflicting classifications of pathogenicity. Review status: criteria provided, conflicting classifications (1 of 4 stars). 2 submissions from 2 submitters: Likely pathogenic (1); Uncertain significance (1). Last evaluated 2021-12-27.

Conditions:
Marfan syndrome (MFS). Also called: Marfan's syndrome; Marfan syndrome, classic; MARFAN SYNDROME, TYPE I; Marfan syndrome type 1; FBN1-Related Marfan Syndrome. Identifiers: Orphanet 284963, Orphanet 558, MedGen C0024796, MONDO:0007947, OMIM 154700.
Familial thoracic aortic aneurysm and aortic dissection (TAAD). Also called: Thoracic aortic aneurysms and dissections. Identifiers: Orphanet 91387, MedGen C4707243, MONDO:0019625.

Submissions (2):

Labcorp Genetics (formerly Invitae), Labcorp
Classification: Uncertain significance for Marfan syndrome; Familial thoracic aortic aneurysm and aortic dissection. Last evaluated: 2021-12-27. Review status: criteria provided, single submitter. Criteria: Invitae Variant Classification Sherloc (09022015). Collection method: clinical testing. Allele origin: germline.
Comment: In summary, the available evidence is currently insufficient to determine the role of this variant in disease. Therefore, it has been classified as a Variant of Uncertain Significance. Algorithms developed to predict the effect of missense changes on protein structure and function (SIFT, PolyPhen-2, Align-GVGD) all suggest that this variant is likely to be disruptive. This variant has not been reported in the literature in individuals affected with FBN1-related conditions. The frequency data for this variant in the population databases is considered unreliable, as metrics indicate poor data quality at this position in the gnomAD database. This sequence change replaces aspartic acid, which is acidic and polar, with valine, which is neutral and non-polar, at codon 910 of the FBN1 protein (p.Asp910Val).

Genetics and Molecular Pathology, SA Pathology
Classification: Likely pathogenic for Marfan syndrome. Last evaluated: 2021-07-21. Review status: criteria provided, single submitter. Criteria: ACMG Guidelines, 2015. Collection method: clinical testing. Allele origin: germline. Affected: yes.